The following is an entry in ClinVar:

NC_000004.11:g.(?_2822345)_(3495228_?)del

Genes: HGFAC (HGF activator; plus strand), SLC75A1 (solute carrier family 75 member 1; minus strand), HTT (huntingtin; plus strand), NOP14 (NOP14 nucleolar protein; minus strand), GRK4 (G protein-coupled receptor kinase 4; plus strand) and 5 more. Cytogenetic location: 4p16.3.
Variant type: Deletion.
Identifiers: ClinVar variation 3246663 (VCV003246663.1).

ClinVar aggregate classification (germline): Pathogenic (1 of 4 stars; one submission).

Conditions:
Fetal akinesia deformation sequence 1 (FADS1). Also called: Pena-Shokeir syndrome type I; Fetal akinesia sequence. Identifiers: Orphanet 994, MedGen C1276035, MONDO:0100101, OMIM 208150, HP:0001989.
Congenital myasthenic syndrome 10. Also called: Myasthenia, limb-girdle, familial. Identifiers: Orphanet 590, MedGen C1850792, MONDO:0009690, OMIM 254300.

Submission:

Labcorp Genetics (formerly Invitae), Labcorp
Classification: Pathogenic for Congenital myasthenic syndrome 10; Fetal akinesia deformation sequence 1. Last evaluated: 2023-08-02. Review status: criteria provided, single submitter. Criteria: Invitae Variant Classification Sherloc (09022015). Collection method: clinical testing. Allele origin: unknown.
Comment: For these reasons, this variant has been classified as Pathogenic. This variant has not been reported in the literature in individuals affected with DOK7-related conditions. A gross deletion of the genomic region encompassing the full coding sequence of the DOK7 gene has been identified. Loss-of-function variants in DOK7 are known to be pathogenic (PMID: 16794080, 16917026, 18626973, 19261599). The boundaries of this event are unknown as they extend beyond the assayed region for this gene and therefore may encompass additional genes.

Literature cited by the submitters: PubMed 16794080; PubMed 16917026; PubMed 18626973; PubMed 19261599.